The following is an entry in ClinVar:

NM_006030.4(CACNA2D2):c.3223C>T (p.Gln1075Ter)

Genes: CACNA2D2 (calcium voltage-gated channel auxiliary subunit alpha2delta 2; minus strand), LOC127898564 (CYB561D2-LOC101928965; plus strand). Cytogenetic location: 3p21.31.
Variant type: single nucleotide variant.
Coding change: c.3223C>T on transcript NM_006030.4 (MANE Select); coding-DNA position 3223, C replaced by T.
Protein change: p.Gln1075Ter; replaces glutamine 1075 with a stop codon.
Molecular consequence: nonsense.
Genome position (GRCh38, 1-based): chr3:50,364,956, G>A on the plus strand (C>T on the coding strand, the complement: CACNA2D2 is on the minus strand). VCF-style: chr3-50364956-G-A. GRCh37 (hg19) VCF-style: chr3-50402387-G-A.
Other names: c.3229C>T, p.Gln1077Ter (NM_001005505.3); c.3244C>T, p.Gln1082Ter (NM_001174051.3); c.3022C>T, p.Gln1008Ter (NM_001291101.1); short protein forms Q1077*, Q1075*, Q1082*, Q1008*.
Identifiers: ClinVar variation 1453151 (VCV001453151.7), dbSNP rs2109395463, ClinGen allele CA352900532.

ClinVar aggregate classification (germline): Pathogenic (1 of 4 stars; one submission).

Conditions:
Early-infantile DEE. Also called: Early infantile epileptic encephalopathy with suppression bursts; Early infantile epileptic encephalopathy; Ohtahara syndrome. Identifiers: Orphanet 1934, MedGen C0393706, MONDO:0800491.

Submission:

Labcorp Genetics (formerly Invitae), Labcorp
Classification: Pathogenic for Early-infantile DEE. Last evaluated: 2021-12-10. Review status: criteria provided, single submitter. Criteria: Invitae Variant Classification Sherloc (09022015). Collection method: clinical testing. Allele origin: germline.
Comment: This variant has not been reported in the literature in individuals affected with CACNA2D2-related conditions. For these reasons, this variant has been classified as Pathogenic. This variant is not present in population databases (gnomAD no frequency). This sequence change creates a premature translational stop signal (p.Gln1075*) in the CACNA2D2 gene. It is expected to result in an absent or disrupted protein product. Loss-of-function variants in CACNA2D2 are known to be pathogenic (PMID: 24358150).

Literature cited by the submitters: PubMed 24358150.